The following is an entry in ClinVar:

ClinVar aggregate classification (germline): Benign/Likely benign. Review status: criteria provided, multiple submitters, no conflicts (2 of 4 stars). 3 submissions from 3 submitters: Benign (1); Likely benign (2). Last evaluated 2024-06-06.

Conditions:
Hereditary cancer-predisposing syndrome. Also called: Tumor predisposition; Neoplastic Syndromes, Hereditary; Hereditary Cancer Syndrome; Hereditary neoplastic syndrome. Identifiers: Orphanet 140162, MedGen C0027672, MeSH D009386, MONDO:0015356.
Familial cancer of breast. Also called: Hereditary breast cancer; BREAST CANCER, FAMILIAL; hereditary breast carcinoma. Identifiers: Orphanet 227535, MedGen C0346153, MONDO:0016419, OMIM 114480. Disease mechanism: loss of function.
Ataxia-telangiectasia syndrome (AT). Also called: ATAXIA-TELANGIECTASIA, COMPLEMENTATION GROUP A; ATAXIA-TELANGIECTASIA, FRESNO VARIANT; Ataxia-telangiectasia; Ataxia-telangiectasia, complementation group D; AT, COMPLEMENTATION GROUP C; Ataxia-telangiectasia, complementation group E. Identifiers: Orphanet 100, MedGen C0004135, MONDO:0008840, OMIM 208900.

Submissions (3):

Myriad Genetics, Inc.
Classification: Benign for Familial cancer of breast. Last evaluated: 2024-06-06. Review status: criteria provided, single submitter. Criteria: Myriad Autosomal Dominant, Autosomal Recessive and X-Linked Classification Criteria (2023). Collection method: clinical testing. Allele origin: unknown.
Comment: This variant is considered benign. This variant is a silent/synonymous amino acid change and it is not expected to impact splicing.

Labcorp Genetics (formerly Invitae), Labcorp
Classification: Likely benign for Ataxia-telangiectasia syndrome. Last evaluated: 2020-05-11. Review status: criteria provided, single submitter. Criteria: Invitae Variant Classification Sherloc (09022015). Collection method: clinical testing. Allele origin: germline.

Ambry Genetics
Classification: Likely benign for Hereditary cancer-predisposing syndrome. Last evaluated: 2019-08-30. Review status: criteria provided, single submitter. Criteria: Ambry Variant Classification Scheme 2023. Collection method: clinical testing. Allele origin: germline.

NM_000051.4(ATM):c.6414A>G (p.Arg2138=)

Genes: ATM (ATM serine/threonine kinase; plus strand), C11orf65 (chromosome 11 open reading frame 65; minus strand). Cytogenetic location: 11q22.3.
Variant type: single nucleotide variant.
Coding change: c.6414A>G on transcript NM_000051.4 (MANE Select); coding-DNA position 6414, A replaced by G.
Protein change: p.Arg2138=; no amino-acid change (arginine 2138 retained).
Molecular consequence: synonymous variant. On other transcripts: intron variant (2).
Genome position (GRCh38, 1-based): chr11:108,320,020, A>G. VCF-style: chr11-108320020-A-G. GRCh37 (hg19) VCF-style: chr11-108190747-A-G.
Other names: c.6414A>G, p.Arg2138= (NM_001351834.2); c.641-10949T>C (NM_001330368.2); c.*39-10949T>C (NM_001351110.2).
Identifiers: ClinVar variation 826390 (VCV000826390.14), dbSNP rs1591100396, ClinGen allele CA476676093.